The following is an entry in ClinVar:

ClinVar aggregate classification (germline): Pathogenic (1 of 4 stars; one submission).

Conditions:
Joubert syndrome. Also called: CEREBELLOPARENCHYMAL DISORDER IV; JOUBERT-BOLTSHAUSER SYNDROME; Familial aplasia of the vermis. Identifiers: Orphanet 475, MedGen C5979921, MONDO:0018772.
Meckel-Gruber syndrome. Also called: DYSENCEPHALIA SPLANCHNOCYSTICA; GRUBER SYNDROME; Dysencephalia splachnocystica. Identifiers: Orphanet 564, MedGen C0265215, MONDO:0018921.

Allele frequency attached by ClinVar (database versions not stated): gnomAD exomes below 0.00001.
gnomAD v4.1: 3 of 1,614,222 alleles (0.00019%); highest among the groups gnomAD compares: Non-Finnish European, 0.000085%; no homozygotes.

Submission:

Labcorp Genetics (formerly Invitae), Labcorp
Classification: Pathogenic for Joubert syndrome; Meckel-Gruber syndrome. Last evaluated: 2023-01-28. Review status: criteria provided, single submitter. Criteria: Invitae Variant Classification Sherloc (09022015). Collection method: clinical testing. Allele origin: germline.
Comment: For these reasons, this variant has been classified as Pathogenic. This variant has not been reported in the literature in individuals affected with MKS1-related conditions. This variant is not present in population databases (gnomAD no frequency). This sequence change creates a premature translational stop signal (p.Tyr128*) in the MKS1 gene. It is expected to result in an absent or disrupted protein product. Loss-of-function variants in MKS1 are known to be pathogenic (PMID: 19466712, 24886560, 26490104).

Literature cited by the submitters: PubMed 19466712; PubMed 24886560; PubMed 26490104.

NM_017777.4(MKS1):c.384C>A (p.Tyr128Ter)

Gene: MKS1 (MKS transition zone complex subunit 1; minus strand). Cytogenetic location: 17q22.
Variant type: single nucleotide variant.
Coding change: c.384C>A on transcript NM_017777.4 (MANE Select); coding-DNA position 384, C replaced by A.
Protein change: p.Tyr128Ter; replaces tyrosine 128 with a stop codon.
Molecular consequence: nonsense. On other transcripts: 5 prime UTR variant (1).
Genome position (GRCh38, 1-based): chr17:58,216,121, G>T on the plus strand (C>A on the coding strand, the complement: MKS1 is on the minus strand). VCF-style: chr17-58216121-G-T. GRCh37 (hg19) VCF-style: chr17-56293482-G-T.
Other names: c.-128C>A (NM_001321268.2); c.384C>A, p.Tyr128Ter (NM_001321269.2, NM_001330397.2, NM_001411113.1); short protein forms Y128*.
Identifiers: ClinVar variation 2941859 (VCV002941859.3), dbSNP rs1036618109, ClinGen allele CA292014661.